The following is an entry in ClinVar:

ClinVar aggregate classification (germline): Uncertain significance (1 of 4 stars; one submission).

Conditions:
Joubert syndrome. Also called: CEREBELLOPARENCHYMAL DISORDER IV; JOUBERT-BOLTSHAUSER SYNDROME; Familial aplasia of the vermis. Identifiers: Orphanet 475, MedGen C5979921, MONDO:0018772.
Meckel-Gruber syndrome. Also called: DYSENCEPHALIA SPLANCHNOCYSTICA; GRUBER SYNDROME; Dysencephalia splachnocystica. Identifiers: Orphanet 564, MedGen C0265215, MONDO:0018921.

Allele frequency attached by ClinVar (database versions not stated): gnomAD exomes below 0.00001; TOPMed 0.00001.
gnomAD v4.1: 2 of 1,591,202 alleles (0.00013%); highest among the groups gnomAD compares: Non-Finnish European, 0.00017%; no homozygotes.

Submission:

Labcorp Genetics (formerly Invitae), Labcorp
Classification: Uncertain significance for Joubert syndrome; Meckel-Gruber syndrome. Last evaluated: 2022-05-12. Review status: criteria provided, single submitter. Criteria: Invitae Variant Classification Sherloc (09022015). Collection method: clinical testing. Allele origin: germline.
Comment: In summary, the available evidence is currently insufficient to determine the role of this variant in disease. Therefore, it has been classified as a Variant of Uncertain Significance. Algorithms developed to predict the effect of missense changes on protein structure and function (SIFT, PolyPhen-2, Align-GVGD) all suggest that this variant is likely to be tolerated. This variant has not been reported in the literature in individuals affected with TMEM67-related conditions. This variant is present in population databases (no rsID available, gnomAD 0.0009%). This sequence change replaces alanine, which is neutral and non-polar, with glycine, which is neutral and non-polar, at codon 592 of the TMEM67 protein (p.Ala592Gly).

NM_153704.6(TMEM67):c.1775C>G (p.Ala592Gly)

Gene: TMEM67 (transmembrane protein 67; plus strand). Cytogenetic location: 8q22.1.
Variant type: single nucleotide variant.
Coding change: c.1775C>G on transcript NM_153704.6 (MANE Select); coding-DNA position 1775, C replaced by G.
Protein change: p.Ala592Gly; replaces alanine 592 with glycine.
Molecular consequence: missense variant. On other transcripts: non-coding transcript variant (1).
Genome position (GRCh38, 1-based): chr8:93,795,902, C>G. VCF-style: chr8-93795902-C-G. GRCh37 (hg19) VCF-style: chr8-94808130-C-G.
Other names: c.1532C>G, p.Ala511Gly (NM_001142301.1); short protein forms A511G, A592G.
Identifiers: ClinVar variation 2121180 (VCV002121180.4), dbSNP rs1187490694, ClinGen allele CA371692966.